The following is an entry in ClinVar:

NM_006421.5(ARFGEF1):c.5015G>A (p.Arg1672His)

Gene: ARFGEF1 (ARF guanine nucleotide exchange factor 1; minus strand). Cytogenetic location: 8q13.2.
Variant type: single nucleotide variant.
Coding change: c.5015G>A on transcript NM_006421.5 (MANE Select); coding-DNA position 5015, G replaced by A.
Protein change: p.Arg1672His; replaces arginine 1672 with histidine.
Molecular consequence: missense variant. On other transcripts: non-coding transcript variant (1).
Genome position (GRCh38, 1-based): chr8:67,203,196, C>T on the plus strand (G>A on the coding strand, the complement: ARFGEF1 is on the minus strand). VCF-style: chr8-67203196-C-T. GRCh37 (hg19) VCF-style: chr8-68115431-C-T.
Other names: c.4997G>A, p.Arg1666His (NM_001413186.1, NM_001413189.1, NM_001413185.1); c.5015G>A, p.Arg1672His (NM_001413187.1, NM_001413194.1, NM_001413184.1); c.4415G>A, p.Arg1472His (NM_001413188.1, NM_001413197.1); c.5009G>A, p.Arg1670His (NM_001413190.1); c.4919G>A, p.Arg1640His (NM_001413191.1); c.4901G>A, p.Arg1634His (NM_001413192.1); c.4397G>A, p.Arg1466His (NM_001413193.1); c.3590G>A, p.Arg1197His (NM_001413196.1); short protein forms R1197H, R1466H, R1472H, R1634H, R1640H, R1666H, R1670H, R1672H.
Identifiers: ClinVar variation 3898281 (VCV003898281.7).
Genomic context (GRCh38, chr8:67,203,196, plus strand): 5'-AATCTATGTGACTCTAATAAGCAGTCCAGTAGCTTAAAAAGTTGTTGTGATGTTAAAAAG[C>T]GGTACATTCCTTGGTCTTGAGTATCAACGCGAACATCAAAGTCCACCGCATCTCTCTTTG-3'
Protein context (NP_006412.2, residues 1662-1682): RVDTQDQGMY[Arg1672His]FLTSQQLFKL

ClinVar aggregate classification (germline): Likely benign (1 of 4 stars; one submission).

gnomAD v4.1: 263 of 1,614,162 alleles (0.016%); highest among the groups gnomAD compares: Non-Finnish European, 0.021%; no homozygotes.

Submission:

CeGaT Center for Human Genetics Tuebingen
Classification: Likely benign. Last evaluated: 2025-04-01. Review status: criteria provided, single submitter. Criteria: CeGaT Center For Human Genetics Tuebingen Variant Classification Criteria Version 2. Collection method: clinical testing. Allele origin: germline. Affected: yes. Observed: 1 variant allele.
Comment: ARFGEF1: BS1